The following is an entry in ClinVar:

ClinVar aggregate classification (germline): Uncertain significance. Review status: criteria provided, multiple submitters, no conflicts (2 of 4 stars). 2 submissions from 2 submitters: Uncertain significance (2). Last evaluated 2024-03-28.

Conditions:
Inborn genetic diseases. Identifiers: MedGen C0950123, MeSH D030342.
Intellectual developmental disorder, autosomal dominant 44, with microcephaly. Also called: Micrognathia-recurrent infections-behavioral abnormalities-mild intellectual disability syndrome; TRIO-Related Intellectual Disability. Identifiers: Orphanet 476126, MedGen C4310740, MONDO:0014892, OMIM 617061.

Allele frequency attached by ClinVar (database versions not stated): TOPMed below 0.00001.

Submissions (2):

Ambry Genetics
Classification: Uncertain significance for Inborn genetic diseases. Last evaluated: 2024-03-28. Review status: criteria provided, single submitter. Criteria: Ambry Variant Classification Scheme 2023. Collection method: clinical testing. Allele origin: germline.

Victorian Clinical Genetics Services, Murdoch Childrens Research Institute
Classification: Uncertain significance for Intellectual developmental disorder, autosomal dominant 44, with microcephaly. Last evaluated: 2023-07-16. Review status: criteria provided, single submitter. Criteria: ACMG Guidelines, 2015. Collection method: clinical testing. Allele origin: germline. Inheritance: Autosomal dominant inheritance. Affected: yes.
Comment: Based on the classification scheme VCGS_Germline_v1.3.4, this variant is classified as VUS-3B. Following criteria are met: 0103 - Both loss-of-function and gain-of-function are known mechanisms of disease for this gene. Loss-of-function variants and missense variants within the RhoGEF domain are associated with microcephaly while gain-of-function missense variants within the 7th spectrin repeat are associated with macrocephaly (PMID: 32109419). (I) 0107 - This gene is associated with autosomal dominant disease. (I) 0200 - Variant is predicted to result in a missense amino acid change from isoleucine to threonine. (I) 0251 - This variant is heterozygous. (I) 0301 - Variant is absent from gnomAD (both v2 and v3). (SP) 0502 - Missense variant with conflicting in silico predictions and uninformative conservation. (I) 0600 - Variant is located in the annotated RhoGEF domain (DECIPHER). (I) 0705 - No comparable missense variants have previous evidence for pathogenicity. (I) 0809 - Previous evidence of pathogenicity for this variant is inconclusive. This variant has been reported as a VUS (LOVD). (I) 0905 - No published segregation evidence has been identified for this variant. (I) 1007 - No published functional evidence has been identified for this variant. (I) 1208 - Inheritance information for this variant is not currently available in this individual. (I) Legend: (SP) - Supporting pathogenic, (I) - Information, (SB) - Supporting benign

Literature cited by the submitters: PubMed 32109419 (cited by Victorian Clinical Genetics Services, Murdoch Childrens Research Institute).

NM_007118.4(TRIO):c.6227T>C (p.Ile2076Thr)

Gene: TRIO (trio Rho guanine nucleotide exchange factor; plus strand). Cytogenetic location: 5p15.2.
Variant type: single nucleotide variant.
Coding change: c.6227T>C on transcript NM_007118.4 (MANE Select); coding-DNA position 6227, T replaced by C.
Protein change: p.Ile2076Thr; replaces isoleucine 2076 with threonine.
Molecular consequence: missense variant. On other transcripts: non-coding transcript variant (1).
Genome position (GRCh38, 1-based): chr5:14,479,334, T>C. VCF-style: chr5-14479334-T-C. GRCh37 (hg19) VCF-style: chr5-14479443-T-C.
Other names: c.6227T>C (NM_007118.2); short protein forms I2076T.
Identifiers: ClinVar variation 3255098 (VCV003255098.2), dbSNP rs991268514.